The following is an entry in ClinVar:

ClinVar aggregate classification (germline): Uncertain significance (1 of 4 stars; one submission).

Conditions:
Primary ciliary dyskinesia. Also called: Ciliary dyskinesia. Identifiers: Orphanet 244, MedGen C0008780, MONDO:0016575, HP:0012265.

Submission:

Labcorp Genetics (formerly Invitae), Labcorp
Classification: Uncertain significance for Primary ciliary dyskinesia. Last evaluated: 2022-11-24. Review status: criteria provided, single submitter. Criteria: Invitae Variant Classification Sherloc (09022015). Collection method: clinical testing. Allele origin: germline.
Comment: Experimental studies and prediction algorithms are not available or were not evaluated, and the functional significance of this variant is currently unknown. This variant has not been reported in the literature in individuals affected with RPGR (ORF15)-related conditions. The frequency data for this variant in the population databases is considered unreliable, as metrics indicate poor data quality at this position in the gnomAD database. This variant, c.2853_2855del, results in the deletion of 1 amino acid(s) of the RPGR (ORF15) protein (p.Glu952del), but otherwise preserves the integrity of the reading frame. In summary, the available evidence is currently insufficient to determine the role of this variant in disease. Therefore, it has been classified as a Variant of Uncertain Significance.

NM_001034853.2(RPGR):c.2850GGA[1] (p.Glu952del)

Gene: RPGR (retinitis pigmentosa GTPase regulator; minus strand). Cytogenetic location: Xp11.4.
Variant type: Microsatellite.
Coding change: c.2850GGA[1] on transcript NM_001034853.2 (MANE Select); one copy of the 3-base unit GGA starting at c.2850; the reference has two copies in a row; one copy, 3 bases deleted.
Protein change: p.Glu952del; deletes glutamic acid 952.
Molecular consequence: inframe deletion. On other transcripts: intron variant (8).
Genome position (GRCh38, 1-based): chrX:38,286,144-38,286,146, TCC deleted on the plus strand (GGA on the coding strand, the reverse complement: RPGR is on the minus strand); deleting any 3 consecutive bases within chrX:38,286,144-38,286,151 gives the same sequence; the position shown is the placement nearest the transcript's 3' end. VCF-style (leftmost placement, unchanged base first): chrX-38286143-TTCC-T. GRCh37 (hg19) VCF-style: chrX-38145396-TTCC-T.
Other names: c.1569+4813_1569+4815del (NM_001367249.1, NM_001367250.1); c.1902+948_1902+950del (NM_001367245.1); c.1386+4813_1386+4815del (NM_001367251.1); c.1719+948_1719+950del (NM_001367246.1); c.1572+4813_1572+4815del (NM_001367247.1); c.1905+948_1905+950del (NM_000328.3); c.1602+4813_1602+4815del (NM_001367248.1); short protein forms E952del.
Identifiers: ClinVar variation 2711694 (VCV002711694.3), dbSNP rs2519785995, ClinGen allele CA640957154.